The following is an entry in ClinVar:

ClinVar aggregate classification (germline): Likely benign. Review status: criteria provided, single submitter (1 of 4 stars). 2 submissions from 2 submitters: Likely benign (1). 1 of the submissions does not count toward it. Last evaluated 2023-05-05.

Conditions:
INVS-related disorder. Also called: INVS-related condition.
Nephronophthisis. Also called: Juvenile Nephronophthisis. Identifiers: Orphanet 655, MedGen C0687120, MONDO:0019005, HP:0000090.

Allele frequency attached by ClinVar (database versions not stated): ExAC 0.00001.

Submissions (2):

Labcorp Genetics (formerly Invitae), Labcorp
Classification: Likely benign for Nephronophthisis. Last evaluated: 2023-05-05. Review status: criteria provided, single submitter. Criteria: Invitae Variant Classification Sherloc (09022015). Collection method: clinical testing. Allele origin: germline.

PreventionGenetics, part of Exact Sciences
Classification: Likely benign for INVS-related condition. Last evaluated: 2022-06-07. Review status: no assertion criteria provided. Collection method: clinical testing. Allele origin: germline. Not counted in ClinVar's aggregate classification.
Comment: This variant is classified as likely benign based on ACMG/AMP sequence variant interpretation guidelines (Richards et al. 2015 PMID: 25741868, with internal and published modifications).

NM_014425.5(INVS):c.3000G>A (p.Val1000=)

Gene: INVS (inversin; plus strand). Cytogenetic location: 9q31.1.
Variant type: single nucleotide variant.
Coding change: c.3000G>A on transcript NM_014425.5 (MANE Select); coding-DNA position 3000, G replaced by A.
Protein change: p.Val1000=; no amino-acid change (valine 1000 retained).
Molecular consequence: synonymous variant. On other transcripts: non-coding transcript variant (1).
Genome position (GRCh38, 1-based): chr9:100,297,130, G>A. VCF-style: chr9-100297130-G-A. GRCh37 (hg19) VCF-style: chr9-103059412-G-A.
Other names: c.3000G>A (NM_014425.4); c.2712G>A, p.Val904= (NM_001318381.2); c.2022G>A, p.Val674= (NM_001318382.2).
Identifiers: ClinVar variation 2917915 (VCV002917915.5), dbSNP rs765944080, ClinGen allele CA5158742.